The following is an entry in ClinVar:

NM_007055.4(POLR3A):c.3898G>C (p.Val1300Leu)

Gene: POLR3A (RNA polymerase III subunit A; minus strand). Cytogenetic location: 10q22.3.
Variant type: single nucleotide variant.
Coding change: c.3898G>C on transcript NM_007055.4 (MANE Select); coding-DNA position 3898, G replaced by C.
Protein change: p.Val1300Leu; replaces valine 1300 with leucine.
Molecular consequence: missense variant.
Genome position (GRCh38, 1-based): chr10:77,980,267, C>G on the plus strand (G>C on the coding strand, the complement: POLR3A is on the minus strand). VCF-style: chr10-77980267-C-G. GRCh37 (hg19) VCF-style: chr10-79740025-C-G.
Other names: short protein forms V1300L.
Identifiers: ClinVar variation 2099756 (VCV002099756.4), dbSNP rs2493180963, ClinGen allele CA377326214.

ClinVar aggregate classification (germline): Uncertain significance (1 of 4 stars; one submission).

Submission:

Labcorp Genetics (formerly Invitae), Labcorp
Classification: Uncertain significance. Last evaluated: 2022-02-19. Review status: criteria provided, single submitter. Criteria: Invitae Variant Classification Sherloc (09022015). Collection method: clinical testing. Allele origin: germline.
Comment: In summary, the available evidence is currently insufficient to determine the role of this variant in disease. Therefore, it has been classified as a Variant of Uncertain Significance. Algorithms developed to predict the effect of missense changes on protein structure and function are either unavailable or do not agree on the potential impact of this missense change (SIFT: "Deleterious"; PolyPhen-2: "Benign"; Align-GVGD: "Class C0"). This variant has not been reported in the literature in individuals affected with POLR3A-related conditions. This variant is not present in population databases (gnomAD no frequency). This sequence change replaces valine, which is neutral and non-polar, with leucine, which is neutral and non-polar, at codon 1300 of the POLR3A protein (p.Val1300Leu).